The following is an entry in ClinVar:

ClinVar aggregate classification (germline): Likely benign. Review status: criteria provided, multiple submitters, no conflicts (2 of 4 stars). 4 submissions from 4 submitters: Likely benign (4). Last evaluated 2024-11-09.

Conditions:
Familial hypercholesterolemia. Also called: Familial hypercholesterolemias; Familial hypercholesterolaemia. Identifiers: MedGen C0020445, MONDO:0005439.
Hypercholesterolemia, autosomal dominant, 3 (FHCL3). Also called: Familial Hypercholesterolemia, Autosomal Dominant, 3; PCSK9-Related Familial Hypercholesterolemia, Autosomal Dominant; Familial hypercholesterolemia 3. Identifiers: MedGen C1863551, MONDO:0011369, OMIM 603776.
Cardiovascular phenotype. Identifiers: MedGen CN230736.

Allele frequency attached by ClinVar (database versions not stated): gnomAD exomes below 0.00001; TOPMed below 0.00001; gnomAD 0.00001.
gnomAD v4.1: 5 of 1,590,832 alleles (0.00031%); highest among the groups gnomAD compares: South Asian, 0.0022%; no homozygotes.

Submissions (4):

Labcorp Genetics (formerly Invitae), Labcorp
Classification: Likely benign for Hypercholesterolemia, autosomal dominant, 3. Last evaluated: 2024-11-09. Review status: criteria provided, single submitter. Criteria: Invitae Variant Classification Sherloc (09022015). Collection method: clinical testing. Allele origin: germline.

All of Us Research Program, National Institutes of Health
Classification: Likely benign for Hypercholesterolemia, autosomal dominant, 3. Last evaluated: 2023-03-09. Review status: criteria provided, single submitter. Criteria: ACMG Guidelines, 2015. Collection method: clinical testing. Allele origin: germline. Inheritance: Autosomal dominant inheritance. Observed: 1 variant allele, 1 heterozygote.
Comment: This study involves interpretation of variants in research participants for the purpose of population health screening. Participant phenotype was not available at the time of variant classification. Additional details can be found in publication PMID: 35346344, PMCID: PMC8962531

Ambry Genetics
Classification: Likely benign for Cardiovascular phenotype. Last evaluated: 2020-03-16. Review status: criteria provided, single submitter. Criteria: Ambry Variant Classification Scheme 2023. Collection method: clinical testing. Allele origin: germline.

Color Diagnostics, LLC DBA Color Health
Classification: Likely benign for Familial hypercholesterolemias. Last evaluated: 2018-10-18. Review status: criteria provided, single submitter. Criteria: ACMG Guidelines, 2015. Collection method: clinical testing. Allele origin: germline.

NM_174936.4(PCSK9):c.894C>T (p.Asn298=)

Gene: PCSK9 (proprotein convertase subtilisin/kexin type 9; plus strand). Cytogenetic location: 1p32.3.
Variant type: single nucleotide variant.
Coding change: c.894C>T on transcript NM_174936.4 (MANE Select); coding-DNA position 894, C replaced by T.
Protein change: p.Asn298=; no amino-acid change (asparagine 298 retained).
Molecular consequence: synonymous variant. On other transcripts: non-coding transcript variant (8).
Genome position (GRCh38, 1-based): chr1:55,056,087, C>T. VCF-style: chr1-55056087-C-T. GRCh37 (hg19) VCF-style: chr1-55521760-C-T.
Other names: c.1017C>T, p.Asn339= (NM_001407240.1); c.894C>T, p.Asn298= (NM_001407241.1, NM_001407244.1, NM_001407247.1); c.897C>T, p.Asn299= (NM_001407242.1); c.837C>T, p.Asn279= (NM_001407243.1); c.702C>T, p.Asn234= (NM_001407245.1); c.519C>T, p.Asn173= (NM_001407246.1).
Identifiers: ClinVar variation 629706 (VCV000629706.14), dbSNP rs1157271008, ClinGen allele CA417959905.